The following is an entry in ClinVar:

ClinVar aggregate classification (germline): Pathogenic/Likely pathogenic. Review status: criteria provided, multiple submitters, no conflicts (2 of 4 stars). 4 submissions from 4 submitters: Pathogenic (2); Likely pathogenic (1). 1 of the submissions does not count toward it. Last evaluated 2024-02-06.

Conditions:
BBS1-related disorder. Also called: BBS1-related condition.
Bardet-Biedl syndrome 1 (BBS1). Identifiers: MedGen C2936862, MONDO:0008854, OMIM 209900. Disease mechanism: loss of function.
Bardet-Biedl syndrome (BBS). Identifiers: Orphanet 110, MedGen C0752166, MONDO:0015229.

Allele frequency attached by ClinVar (database versions not stated): TOPMed below 0.00001; gnomAD exomes 0.00004 and 0.00008; ExAC 0.00005; gnomAD 0.00003.
gnomAD v4.1: 68 of 1,613,636 alleles (0.0042%); highest among the groups gnomAD compares: Non-Finnish European, 0.00051%; no homozygotes.

Submissions (4):

Labcorp Genetics (formerly Invitae), Labcorp
Classification: Pathogenic for Bardet-Biedl syndrome. Last evaluated: 2024-02-06. Review status: criteria provided, single submitter. Criteria: Invitae Variant Classification Sherloc (09022015). Collection method: clinical testing. Allele origin: germline.
Comment: This sequence change affects an acceptor splice site in intron 8 of the BBS1 gene. It is expected to disrupt RNA splicing. Variants that disrupt the donor or acceptor splice site typically lead to a loss of protein function (PMID: 16199547), and loss-of-function variants in BBS1 are known to be pathogenic (PMID: 12118255, 21520335, 27032803). This variant is present in population databases (rs748523268, gnomAD 0.07%). Disruption of this splice site has been observed in individual(s) with retinitis pigmentosa (Invitae). In at least one individual the data is consistent with being in trans (on the opposite chromosome) from a pathogenic variant. ClinVar contains an entry for this variant (Variation ID: 552356). Algorithms developed to predict the effect of sequence changes on RNA splicing suggest that this variant may disrupt the consensus splice site. For these reasons, this variant has been classified as Pathogenic.

Blueprint Genetics
Classification: Likely pathogenic for BBS1-related disorders. Last evaluated: 2022-02-17. Review status: criteria provided, single submitter. Criteria: ACMG Guidelines, 2015. Collection method: clinical testing. Allele origin: germline. Affected: yes. Observed: 5 variant alleles.

Fulgent Genetics
Classification: Pathogenic for Bardet-Biedl syndrome 1. Last evaluated: 2018-10-31. Review status: criteria provided, single submitter. Criteria: ACMG Guidelines, 2015. Collection method: clinical testing. Allele origin: unknown.

Counsyl
Classification: Likely pathogenic for Bardet-Biedl syndrome 1. Last evaluated: 2017-06-08. Review status: no assertion criteria provided. Collection method: clinical testing. Allele origin: unknown. Not counted in ClinVar's aggregate classification.

Literature cited by the submitters: PubMed 16199547 (cited by Labcorp Genetics (formerly Invitae), Labcorp); PubMed 12118255 (cited by Labcorp Genetics (formerly Invitae), Labcorp); PubMed 21520335 (cited by Labcorp Genetics (formerly Invitae), Labcorp); PubMed 27032803 (cited by Labcorp Genetics (formerly Invitae), Labcorp).

NM_024649.5(BBS1):c.724-1G>C

Genes: BBS1 (Bardet-Biedl syndrome 1; plus strand), ZDHHC24 (zDHHC palmitoyltransferase 24; minus strand). Cytogenetic location: 11q13.2.
Variant type: single nucleotide variant.
Coding change: c.724-1G>C on transcript NM_024649.5 (MANE Select); the canonical splice acceptor site of the intron before coding-DNA position 724, G replaced by C.
Molecular consequence: splice acceptor variant. On other transcripts: 3 prime UTR variant (1).
Genome position (GRCh38, 1-based): chr11:66,521,269, G>C. VCF-style: chr11-66521269-G-C. GRCh37 (hg19) VCF-style: chr11-66288740-G-C.
Other names: c.*219C>G (NM_001348571.2).
Identifiers: ClinVar variation 552356 (VCV000552356.11), dbSNP rs748523268, ClinGen allele CA6123471.